The following is an entry in ClinVar:

NM_001267550.2(TTN):c.41041G>A (p.Val13681Met)

Gene: TTN (titin; minus strand). Cytogenetic location: 2q31.2.
Variant type: single nucleotide variant.
Coding change: c.41041G>A on transcript NM_001267550.2 (MANE Select); coding-DNA position 41041, G replaced by A.
Protein change: p.Val13681Met; replaces valine 13681 with methionine.
Molecular consequence: missense variant.
Genome position (GRCh38, 1-based): chr2:178,636,686, C>T on the plus strand (G>A on the coding strand, the complement: TTN is on the minus strand). VCF-style: chr2-178636686-C-T. GRCh37 (hg19) VCF-style: chr2-179501413-C-T.
Other names: p.V12040M:GTG>ATG; c.36118G>A, p.Val12040Met (NM_001256850.1); c.13846G>A, p.Val4616Met (NM_003319.4); c.33337G>A, p.Val11113Met (NM_133378.4); c.14221G>A, p.Val4741Met (NM_133432.3); c.14422G>A, p.Val4808Met (NM_133437.4); short protein forms V12040M, V13681M, V4616M, V11113M, V4741M, V4808M.
Identifiers: ClinVar variation 202615 (VCV000202615.4), dbSNP rs794729423, ClinGen allele CA309761.
Genomic context (GRCh38, chr2:178,636,686, plus strand): 5'-CAACGAACTCTGATTCTGTCAAGATGATGTCTTTGATTTCTTTCACAAACTTCAGTGGCA[C>T]AGCCTTTAGCTGGTAGGTGAACGGGGCTTCATCAGGAGGTTTCTCTCCACCACTTCCTGG-3'
Protein context (NP_001254479.2, residues 13671-13691): EAPFTYQLKA[Val13681Met]PLKFVKEIKD

ClinVar aggregate classification (germline): Uncertain significance. Review status: criteria provided, single submitter (1 of 4 stars). 2 submissions from 2 submitters: Uncertain significance (1). 1 of the submissions does not count toward it. Last evaluated 2014-06-30.

Conditions:
TTN-related disorder. Also called: TTN-related disorders; TTN-related condition; TTN-related disease.

Allele frequency attached by ClinVar (database versions not stated): gnomAD exomes below 0.00001.
gnomAD v4.1: 1 of 1,613,306 alleles (0.000062%); highest among the groups gnomAD compares: Non-Finnish European, 0.000085%; no homozygotes.

Submissions (2):

GeneDx
Classification: Uncertain significance. Last evaluated: 2014-06-30. Review status: criteria provided, single submitter. Criteria: GeneDx Variant Classification (06012015). Collection method: clinical testing. Allele origin: germline. Affected: yes.
Comment: Missense variants in the TTN gene are considered 'unclassified' if they are not previously reported in the literature and do not have >1% frequency in the population to be considered a polymorphism. Research indicates that truncating mutations in the TTN gene are expected to account for approximately 25% of familial and 18% of sporadic idiopathic DCM; however, truncating variants in the TTN gene have been reported in approximately 3% of reported control alleles. There has been little investigation into non-truncating variants. (Herman D et al. Truncations of titin causing dilated cardiomyopathy. N Eng J Med 366:619-628, 2012) The variant is found in CARDIOMYOPATHY panel(s).

PreventionGenetics, part of Exact Sciences
Classification: Uncertain significance for TTN-related condition. Last evaluated: 2024-01-19. Review status: no assertion criteria provided. Collection method: clinical testing. Allele origin: germline. Not counted in ClinVar's aggregate classification.
Comment: The TTN c.41041G>A variant is predicted to result in the amino acid substitution p.Val13681Met. To our knowledge, this variant has not been reported in the literature. This variant is reported in 0.00089% of alleles in individuals of European (Non-Finnish) descent in gnomAD. At this time, the clinical significance of this variant is uncertain due to the absence of conclusive functional and genetic evidence.